The following is an entry in ClinVar:

ClinVar aggregate classification (germline): Uncertain significance. Review status: criteria provided, multiple submitters, no conflicts (2 of 4 stars). 2 submissions from 2 submitters: Uncertain significance (2). Last evaluated 2025-01-07.

Conditions:
Hereditary cancer-predisposing syndrome. Also called: Neoplastic Syndromes, Hereditary; Hereditary Cancer Syndrome; Hereditary neoplastic syndrome; Tumor predisposition. Identifiers: Orphanet 140162, MedGen C0027672, MeSH D009386, MONDO:0015356.
Multiple endocrine neoplasia type 4. Also called: MULTIPLE ENDOCRINE NEOPLASIA, TYPE IV. Identifiers: Orphanet 276152, MedGen C1970712, MONDO:0012552, OMIM 610755.

Allele frequency attached by ClinVar (database versions not stated): gnomAD exomes below 0.00001.

Submissions (2):

Labcorp Genetics (formerly Invitae), Labcorp
Classification: Uncertain significance for Multiple endocrine neoplasia type 4. Last evaluated: 2025-01-07. Review status: criteria provided, single submitter. Criteria: Invitae Variant Classification Sherloc (09022015). Collection method: clinical testing. Allele origin: germline.
Comment: This sequence change replaces serine, which is neutral and polar, with glycine, which is neutral and non-polar, at codon 12 of the CDKN1B protein (p.Ser12Gly). This variant is not present in population databases (gnomAD no frequency). This variant has not been reported in the literature in individuals affected with CDKN1B-related conditions. ClinVar contains an entry for this variant (Variation ID: 823852). An algorithm developed to predict the effect of missense changes on protein structure and function (PolyPhen-2) suggests that this variant is likely to be tolerated. In summary, the available evidence is currently insufficient to determine the role of this variant in disease. Therefore, it has been classified as a Variant of Uncertain Significance.

Ambry Genetics
Classification: Uncertain significance for Hereditary cancer-predisposing syndrome. Last evaluated: 2018-09-25. Review status: criteria provided, single submitter. Criteria: Ambry Variant Classification Scheme 2023. Collection method: clinical testing. Allele origin: germline.
Comment: The p.S12G variant (also known as c.34A>G), located in coding exon 1 of the CDKN1B gene, results from an A to G substitution at nucleotide position 34. The serine at codon 12 is replaced by glycine, an amino acid with similar properties. This amino acid position is not well conserved in available vertebrate species. In addition, this alteration is predicted to be tolerated by in silico analysis. Since supporting evidence is limited at this time, the clinical significance of this alteration remains unclear.

NM_004064.5(CDKN1B):c.34A>G (p.Ser12Gly)

Gene: CDKN1B (cyclin dependent kinase inhibitor 1B; plus strand). Cytogenetic location: 12p13.1.
Variant type: single nucleotide variant.
Coding change: c.34A>G on transcript NM_004064.5 (MANE Select); coding-DNA position 34, A replaced by G.
Protein change: p.Ser12Gly; replaces serine 12 with glycine.
Molecular consequence: missense variant.
Genome position (GRCh38, 1-based): chr12:12,717,873, A>G. VCF-style: chr12-12717873-A-G. GRCh37 (hg19) VCF-style: chr12-12870807-A-G.
Other names: short protein forms S12G.
Identifiers: ClinVar variation 823852 (VCV000823852.14), dbSNP rs1592280717, ClinGen allele CA383968052.